The following is an entry in ClinVar:

NM_007254.4(PNKP):c.1227_1228del (p.Cys409_Glu410delinsTer)

Gene: PNKP (polynucleotide kinase 3'-phosphatase; minus strand). Cytogenetic location: 19q13.33.
Variant type: Microsatellite.
Coding change: c.1227_1228del on transcript NM_007254.4 (MANE Select); coding-DNA positions 1227 to 1228, 2 bases deleted (TG; older notation c.1227_1228delTG).
Protein change: p.Cys409_Glu410delinsTer.
Molecular consequence: nonsense.
Genome position (GRCh38, 1-based): chr19:49,861,842-49,861,843, CA deleted on the plus strand (TG on the coding strand, the reverse complement: PNKP is on the minus strand); deleting any 2 consecutive bases within chr19:49,861,842-49,861,846 gives the same sequence; the c. name uses the placement nearest the transcript's 3' end. VCF-style (leftmost placement, unchanged base first): chr19-49861841-TCA-T. GRCh37 (hg19) VCF-style: chr19-50365098-TCA-T.
Identifiers: ClinVar variation 1033198 (VCV001033198.1), dbSNP rs1477525034, ClinGen allele CA633894549.

ClinVar aggregate classification (germline): Pathogenic (1 of 4 stars; one submission).

Conditions:
Ataxia - oculomotor apraxia type 4. Identifiers: Orphanet 459033, MedGen C4225397, MONDO:0014557, OMIM 616267.

Submission:

Baylor Genetics
Classification: Pathogenic for Ataxia - oculomotor apraxia type 4. Last evaluated: 2018-09-10. Review status: criteria provided, single submitter. Criteria: ACMG Guidelines, 2015. Collection method: clinical testing. Allele origin: paternal. Affected: yes.
Comment: This variant was determined to be pathogenic according to ACMG Guidelines, 2015 [PMID:25741868].